The following is an entry in ClinVar:

ClinVar aggregate classification (germline): Uncertain significance (1 of 4 stars; one submission).

Conditions:
Wilson disease (WND). Also called: Wilson's disease. Identifiers: Orphanet 905, MedGen C0019202, MONDO:0010200, OMIM 277900. Disease mechanism: loss of function.

Submission:

Labcorp Genetics (formerly Invitae), Labcorp
Classification: Uncertain significance for Wilson disease. Last evaluated: 2025-05-30. Review status: criteria provided, single submitter. Criteria: Invitae Variant Classification Sherloc (09022015). Collection method: clinical testing. Allele origin: germline.
Comment: This sequence change replaces isoleucine, which is neutral and non-polar, with asparagine, which is neutral and polar, at codon 1330 of the ATP7B protein (p.Ile1330Asn). This variant is not present in population databases (gnomAD no frequency). This variant has not been reported in the literature in individuals affected with ATP7B-related conditions. ClinVar contains an entry for this variant (Variation ID: 3653035). Invitae Evidence Modeling of protein sequence and biophysical properties (such as structural, functional, and spatial information, amino acid conservation, physicochemical variation, residue mobility, and thermodynamic stability) indicates that this missense variant is not expected to disrupt ATP7B protein function with a negative predictive value of 80%. In summary, the available evidence is currently insufficient to determine the role of this variant in disease. Therefore, it has been classified as a Variant of Uncertain Significance.

NM_000053.4(ATP7B):c.3989T>A (p.Ile1330Asn)

Gene: ATP7B (ATPase copper transporting beta; minus strand). Cytogenetic location: 13q14.3.
Variant type: single nucleotide variant.
Coding change: c.3989T>A on transcript NM_000053.4 (MANE Select); coding-DNA position 3989, T replaced by A.
Protein change: p.Ile1330Asn; replaces isoleucine 1330 with asparagine.
Molecular consequence: missense variant.
Genome position (GRCh38, 1-based): chr13:51,937,308, A>T on the plus strand (T>A on the coding strand, the complement: ATP7B is on the minus strand). VCF-style: chr13-51937308-A-T. GRCh37 (hg19) VCF-style: chr13-52511444-A-T.
Other names: c.3368T>A, p.Ile1123Asn (NM_001005918.3); c.3656T>A, p.Ile1219Asn (NM_001243182.2); c.3755T>A, p.Ile1252Asn (NM_001330578.2, NM_001406527.1, NM_001406528.1); c.3737T>A, p.Ile1246Asn (NM_001330579.2, NM_001406531.1, NM_001406532.1); c.3989T>A, p.Ile1330Asn (NM_001406511.1, NM_001406512.1); c.3983T>A, p.Ile1328Asn (NM_001406513.1); c.3956T>A, p.Ile1319Asn (NM_001406514.1); c.3935T>A, p.Ile1312Asn (NM_001406515.1, NM_001406516.1); and 21 more; short protein forms I1049N, I1168N, I1204N, I1220N, I1250N, I1269N, I1282N, I1298N.
Identifiers: ClinVar variation 3653035 (VCV003653035.2).